The following is an entry in ClinVar:

NM_001025603.2(RFX5):c.137dup (p.Glu47fs)

Gene: RFX5 (regulatory factor X5; minus strand). Cytogenetic location: 1q21.3.
Variant type: Duplication.
Coding change: c.137dup on transcript NM_001025603.2 (MANE Select); coding-DNA position 137, one base duplicated (T; older notation c.137dupT).
Protein change: p.Glu47fs; shifts the reading frame from glutamic acid 47.
Molecular consequence: frameshift variant.
Genome position (GRCh38, 1-based): chr1:151,345,941, A duplicated on the plus strand (T on the coding strand, the reverse complement: RFX5 is on the minus strand). VCF-style (leftmost placement, unchanged base first): chr1-151345940-T-TA. GRCh37 (hg19) VCF-style: chr1-151318416-T-TA.
Other names: c.137dup, p.Glu47fs (NM_000449.4, NM_001379412.1, NM_001379413.1 and 7 more transcripts); c.137dupT (NM_000449.3); short protein forms E47fs.
Identifiers: ClinVar variation 1804683 (VCV001804683.1), dbSNP rs2529047720, ClinGen allele CA2580061042.
Genomic context (GRCh38, chr1:151,345,940, plus strand): 5'-CCCTCAGCATTTCCATCCCTCTCTTGCCCTCTTCCCCAACACACTTACCAGGATCCCCTC[T>TA]ACTTTGTTCTGCACGGCCTTGCTGTGGGGAAGAGGAGAAAGCTGGAGGTCACACACAAGA-3'

ClinVar aggregate classification (germline): Likely pathogenic (1 of 4 stars; one submission).

Conditions:
MHC class II deficiency. Also called: Bare lymphocyte syndrome 2; BLS, TYPE II. Identifiers: Orphanet 572, MedGen C5447452, MONDO:0008855.

Submission:

Women's Health and Genetics/Laboratory Corporation of America, LabCorp
Classification: Likely pathogenic for MHC class II deficiency. Last evaluated: 2022-11-16. Review status: criteria provided, single submitter. Criteria: LabCorp Variant Classification Summary - May 2015. Collection method: clinical testing. Allele origin: germline.
Comment: Variant summary: RFX5 c.137dupT (p.Glu47ArgfsX12) results in a premature termination codon, predicted to cause a truncation of the encoded protein or absence of the protein due to nonsense mediated decay, which are commonly known mechanisms for disease. Truncations downstream of this position are classified as pathogenic in ClinVar. The variant was absent in 251484 control chromosomes. To our knowledge, no occurrence of c.137dupT in individuals affected with Bare Lymphocyte Syndrome 2 - RFX5 Related and no experimental evidence demonstrating its impact on protein function have been reported. No clinical diagnostic laboratories have submitted clinical-significance assessments for this variant to ClinVar after 2014. Based on the evidence outlined above, the variant was classified as likely pathogenic.